The following is an entry in ClinVar:

ClinVar aggregate classification (germline): Likely benign (1 of 4 stars; one submission).

Allele frequency attached by ClinVar (database versions not stated): gnomAD exomes below 0.00001 and 0.00001; TOPMed below 0.00001.
gnomAD v4.1: 5 of 1,550,160 alleles (0.00032%); highest among the groups gnomAD compares: South Asian, 0.0024%; no homozygotes.

Submission:

GeneDx
Classification: Likely benign. Last evaluated: 2018-02-06. Review status: criteria provided, single submitter. Criteria: GeneDx Variant Classification (06012015). Collection method: clinical testing. Allele origin: germline. Affected: yes.
Comment: This variant is considered likely benign or benign based on one or more of the following criteria: it is a conservative change, it occurs at a poorly conserved position in the protein, it is predicted to be benign by multiple in silico algorithms, and/or has population frequency not consistent with disease.

NM_001292063.2(OTOG):c.3336T>C (p.Asn1112=)

Gene: OTOG (otogelin; plus strand). Cytogenetic location: 11p15.1.
Variant type: single nucleotide variant.
Coding change: c.3336T>C on transcript NM_001292063.2 (MANE Select); coding-DNA position 3336, T replaced by C.
Protein change: p.Asn1112=; no amino-acid change (asparagine 1112 retained).
Molecular consequence: synonymous variant.
Genome position (GRCh38, 1-based): chr11:17,594,094, T>C. VCF-style: chr11-17594094-T-C. GRCh37 (hg19) VCF-style: chr11-17615641-T-C.
Other names: c.3372T>C, p.Asn1124= (NM_001277269.2).
Identifiers: ClinVar variation 515111 (VCV000515111.1), dbSNP rs1465273332, ClinGen allele CA473302553.